The following is an entry in ClinVar:

NM_001267550.2(TTN):c.64789G>A (p.Val21597Met)

Genes: TTN (titin; minus strand), TTN-AS1 (TTN antisense RNA 1; plus strand). Cytogenetic location: 2q31.2.
Variant type: single nucleotide variant.
Coding change: c.64789G>A on transcript NM_001267550.2 (MANE Select); coding-DNA position 64789, G replaced by A.
Protein change: p.Val21597Met; replaces valine 21597 with methionine.
Molecular consequence: missense variant. On other transcripts: non-coding transcript variant (1).
Genome position (GRCh38, 1-based): chr2:178,584,852, C>T on the plus strand (G>A on the coding strand, the complement: TTN is on the minus strand). VCF-style: chr2-178584852-C-T. GRCh37 (hg19) VCF-style: chr2-179449579-C-T.
Other names: p.V19956M:GTG>ATG; p.Val19956Met; c.59866G>A, p.Val19956Met (NM_001256850.1); c.37594G>A, p.Val12532Met (NM_003319.4); c.57085G>A, p.Val19029Met (NM_133378.4); c.37969G>A, p.Val12657Met (NM_133432.3); c.38170G>A, p.Val12724Met (NM_133437.4); short protein forms V21597M, V19029M, V19956M, V12532M, V12657M, V12724M.
Identifiers: ClinVar variation 47213 (VCV000047213.52), dbSNP rs150661999, ClinGen allele CA140358.

ClinVar aggregate classification (germline): Conflicting classifications of pathogenicity. Review status: criteria provided, conflicting classifications (1 of 4 stars). 24 submissions from 20 submitters: Uncertain significance (1); Benign (13); Likely benign (5). 5 of the submissions do not count toward it. Last evaluated 2026-02-03.

Conditions:
Dilated cardiomyopathy 1G (CMD1G). Identifiers: Orphanet 154, MedGen C1858763, MONDO:0011400, OMIM 604145.
Autosomal recessive limb-girdle muscular dystrophy type 2J (LGMDR10). Also called: MUSCULAR DYSTROPHY, LIMB-GIRDLE, AUTOSOMAL RECESSIVE 10; Limb-girdle muscular dystrophy, type 2J. Identifiers: Orphanet 140922, MedGen C1837342, MONDO:0012127, OMIM 608807.
Cardiovascular phenotype. Identifiers: MedGen CN230736.
Cardiomyopathy (CMYO). Also called: Cardiomyopathies. Identifiers: Orphanet 167848, MedGen C0878544, MONDO:0004994, HP:0001638. Inheritance: Various modes of inheritance.
Early-onset myopathy with fatal cardiomyopathy (CMYO5). Also called: CONGENITAL MYOPATHY 5 WITH CARDIOMYOPATHY; Salih Myopathy. Identifiers: Orphanet 289377, MedGen C2673677, MONDO:0012714, OMIM 611705. Disease mechanism: loss of function.
Myopathy, myofibrillar, 9, with early respiratory failure (MFM9). Also called: Myopathy, distal, with early respiratory failure, autosomal dominant; Hereditary myopathy with early respiratory failure; MYOPATHY, PROXIMAL, WITH EARLY RESPIRATORY MUSCLE INVOLVEMENT; EDSTROM MYOPATHY. Identifiers: Orphanet 178464, Orphanet 34521, MedGen C1863599, MONDO:0011362, OMIM 603689.
Primary dilated cardiomyopathy (DCM). Also called: Dilated Cardiomyopathy. Identifiers: Orphanet 217604, MedGen C0007193, MeSH D002311, MONDO:0005021, HP:0001644. Inheritance: Various modes of inheritance.
Tibial muscular dystrophy (TMD). Also called: Udd Distal Myopathy – Tibial Muscular Dystrophy; Tibial muscular dystrophy, tardive; UDD MYOPATHY. Identifiers: Orphanet 609, MedGen C1838244, MONDO:0010870, OMIM 600334.

Allele frequency attached by ClinVar (database versions not stated): 1000 Genomes Project 0.00599; TOPMed 0.00105; 1000 Genomes Project 30x 0.00593; gnomAD 0.00107 and 0.00180; ESP Exome Variant Server 0.00146.

Submissions (24):

Labcorp Genetics (formerly Invitae), Labcorp
Classification: Benign for Dilated cardiomyopathy 1G; Autosomal recessive limb-girdle muscular dystrophy type 2J. Last evaluated: 2026-02-03. Review status: criteria provided, single submitter. Criteria: Invitae Variant Classification Sherloc (09022015). Collection method: clinical testing. Allele origin: germline.

ARUP Laboratories, Molecular Genetics and Genomics, ARUP Laboratories
Classification: Benign. Last evaluated: 2025-06-23. Review status: criteria provided, single submitter. Criteria: ARUP Molecular Germline Variant Investigation Process 2024. Collection method: clinical testing. Allele origin: germline.

Molecular Diagnostic Laboratory for Inherited Cardiovascular Disease, Montreal Heart Institute
Classification: Benign. Last evaluated: 2025-04-09. Review status: criteria provided, single submitter. Criteria: ACMG Guidelines, 2015. Collection method: clinical testing. Allele origin: germline. Affected: no.

Athena Diagnostics
Classification: Benign. Last evaluated: 2025-01-21. Review status: criteria provided, single submitter. Criteria: Athena Diagnostics Criteria. Collection method: clinical testing. Allele origin: unknown.
Comment: The frequency of this variant in the general population is higher than would generally be expected for pathogenic variants in this gene.

Mayo Clinic Laboratories, Mayo Clinic
Classification: Benign. Last evaluated: 2023-06-16. Review status: criteria provided, single submitter. Criteria: ACMG Guidelines, 2015. Collection method: clinical testing. Allele origin: germline. Observed: 9 variant alleles.
Comment: BS1, BS2

Women's Health and Genetics/Laboratory Corporation of America, LabCorp
Classification: Likely benign. Last evaluated: 2020-01-06. Review status: criteria provided, single submitter. Criteria: LabCorp Variant Classification Summary - May 2015. Collection method: clinical testing. Allele origin: germline.

CHEO Genetics Diagnostic Laboratory, Children's Hospital of Eastern Ontario
Classification: Benign for Cardiomyopathy. Last evaluated: 2019-05-30. Review status: criteria provided, single submitter. Criteria: ACMG Guidelines, 2015. Collection method: clinical testing. Allele origin: germline.

Illumina Laboratory Services, Illumina
Classification: Benign for Tibial muscular dystrophy. Last evaluated: 2018-01-12. Review status: criteria provided, single submitter. Criteria: ICSL Variant Classification Criteria 13 December 2019. Collection method: clinical testing. Allele origin: germline.
Comment: This variant was observed in the ICSL laboratory as part of a predisposition screen in an ostensibly healthy population. It had not been previously curated by ICSL or reported in the Human Gene Mutation Database (HGMD: prior to June 1st, 2018), and was therefore a candidate for classification through an automated scoring system. Utilizing variant allele frequency, disease prevalence and penetrance estimates, and inheritance mode, an automated score was calculated to assess if this variant is too frequent to cause the disease. Based on the score and internal cut-off values, a variant classified as benign is not then subjected to further curation. The score for this variant resulted in a classification of benign for this disease.

Illumina Laboratory Services, Illumina
Classification: Likely benign for Dilated cardiomyopathy 1G. Last evaluated: 2018-01-12. Review status: criteria provided, single submitter. Criteria: ICSL Variant Classification Criteria 13 December 2019. Collection method: clinical testing. Allele origin: germline.
Comment: This variant was observed in the ICSL laboratory as part of a predisposition screen in an ostensibly healthy population. It had not been previously curated by ICSL or reported in the Human Gene Mutation Database (HGMD: prior to June 1st, 2018), and was therefore a candidate for classification through an automated scoring system. Utilizing variant allele frequency, disease prevalence and penetrance estimates, and inheritance mode, an automated score was calculated to assess if this variant is too frequent to cause the disease. Based on the score and internal cut-off values, a variant classified as likely benign is not then subjected to further curation. The score for this variant resulted in a classification of likely benign for this disease.

Illumina Laboratory Services, Illumina
Classification: Benign for Myopathy, myofibrillar, 9, with early respiratory failure. Last evaluated: 2018-01-12. Review status: criteria provided, single submitter. Criteria: ICSL Variant Classification Criteria 13 December 2019. Collection method: clinical testing. Allele origin: germline.
Comment: the same text as in the submission from Illumina Laboratory Services, Illumina above.

Illumina Laboratory Services, Illumina
Classification: Likely benign for Early-onset myopathy with fatal cardiomyopathy. Last evaluated: 2018-01-12. Review status: criteria provided, single submitter. Criteria: ICSL Variant Classification Criteria 13 December 2019. Collection method: clinical testing. Allele origin: germline.
Comment: the same text as in the submission from Illumina Laboratory Services, Illumina above.

Illumina Laboratory Services, Illumina
Classification: Likely benign for Autosomal recessive limb-girdle muscular dystrophy type 2J. Last evaluated: 2018-01-12. Review status: criteria provided, single submitter. Criteria: ICSL Variant Classification Criteria 13 December 2019. Collection method: clinical testing. Allele origin: germline.
Comment: the same text as in the submission from Illumina Laboratory Services, Illumina above.

Center for Advanced Laboratory Medicine, UC San Diego Health, University of California San Diego
Classification: Benign for Dilated cardiomyopathy. Last evaluated: 2017-02-28. Review status: criteria provided, single submitter. Criteria: ACMG Guidelines, 2015. Collection method: clinical testing. Allele origin: germline. Affected: yes. Observed: 1 variant allele.

GeneDx
Classification: Benign. Last evaluated: 2016-02-08. Review status: criteria provided, single submitter. Criteria: GeneDx Variant Classification (06012015). Collection method: clinical testing. Allele origin: germline. Affected: yes.
Comment: This variant is considered likely benign or benign based on one or more of the following criteria: it is a conservative change, it occurs at a poorly conserved position in the protein, it is predicted to be benign by multiple in silico algorithms, and/or has population frequency not consistent with disease.

Ambry Genetics
Classification: Benign for Cardiovascular phenotype. Last evaluated: 2016-01-06. Review status: criteria provided, single submitter. Criteria: Ambry Variant Classification Scheme 2023. Collection method: clinical testing. Allele origin: germline.

Eurofins Ntd Llc (ga)
Classification: Benign. Last evaluated: 2015-09-01. Review status: criteria provided, single submitter. Criteria: EGL Classification Definitions 2015. Collection method: clinical testing. Allele origin: germline. Observed: 1 variant allele, 1 heterozygote.

Laboratory for Molecular Medicine, Mass General Brigham Personalized Medicine
Classification: Benign. Last evaluated: 2015-02-25. Review status: criteria provided, single submitter. Criteria: LMM Criteria. Collection method: clinical testing. Allele origin: germline. Observed: 14 variant alleles.
Comment: p.Val19029Met in exon 259 of TTN: This variant is not expected to have clinical significance because it has been identified in 2.3% (383/16510) of South Asian c hromosomes by the Exome Aggregation Consortium (ExAC .org; dbSNP rs150661999).

Genetic Services Laboratory, University of Chicago
Classification: Uncertain significance. Last evaluated: 2014-03-17. Review status: criteria provided, single submitter. Criteria: ACMG Guidelines, 2007. Collection method: clinical testing. Allele origin: germline.

Biesecker Lab/Clinical Genomics Section, National Institutes of Health
Classification: Likely benign. Last evaluated: 2013-06-24. Review status: criteria provided, single submitter. Criteria: Ng et al. (Circ Cardiovasc Genet. 2013). Collection method: research. Allele origin: unknown. Observed: 5 variant alleles. Study: ClinSeq.
Comment: The study set was not selected for affection status in relation to any cancer. Pathogenicity categories were based on literature curation. See Pubmed ID:23861362 for details.

Medical sequencing

Clinical Genetics DNA and cytogenetics Diagnostics Lab, Erasmus MC, Erasmus Medical Center
Classification: Likely benign. Review status: no assertion criteria provided. Collection method: clinical testing. Allele origin: germline. Affected: yes. Study: VKGL Data-share Consensus. Not counted in ClinVar's aggregate classification.

Clinical Genetics, Academic Medical Center
Classification: Benign. Review status: no assertion criteria provided. Collection method: clinical testing. Allele origin: germline. Affected: yes. Study: VKGL Data-share Consensus. Not counted in ClinVar's aggregate classification.

Diagnostic Laboratory, Department of Genetics, University Medical Center Groningen
Classification: Likely benign. Review status: no assertion criteria provided. Collection method: clinical testing. Allele origin: germline. Affected: yes. Study: VKGL Data-share Consensus. Not counted in ClinVar's aggregate classification.

Joint Genome Diagnostic Labs from Nijmegen and Maastricht, Radboudumc and MUMC+
Classification: Benign. Review status: no assertion criteria provided. Collection method: clinical testing. Allele origin: germline. Affected: yes. Study: VKGL Data-share Consensus. Not counted in ClinVar's aggregate classification.

Laboratory of Diagnostic Genome Analysis, Leiden University Medical Center (LUMC)
Classification: Likely benign. Review status: no assertion criteria provided. Collection method: clinical testing. Allele origin: germline. Affected: yes. Study: VKGL Data-share Consensus. Not counted in ClinVar's aggregate classification.

Literature cited by the submitters: PubMed 24503780 (cited by Athena Diagnostics); PubMed 23861362 (cited by Athena Diagnostics).